The following is an entry in ClinVar:

NM_000352.6(ABCC8):c.752_753del (p.Gly251fs)

Gene: ABCC8 (ATP binding cassette subfamily C member 8; minus strand). Cytogenetic location: 11p15.1.
Variant type: Deletion.
Coding change: c.752_753del on transcript NM_000352.6 (MANE Select); coding-DNA positions 752 to 753, 2 bases deleted (GG; older notation c.752_753delGG).
Protein change: p.Gly251fs; shifts the reading frame from glycine 251.
Molecular consequence: frameshift variant. On other transcripts: non-coding transcript variant (1).
Genome position (GRCh38, 1-based): chr11:17,461,652-17,461,653, CC deleted on the plus strand (GG on the coding strand, the reverse complement: ABCC8 is on the minus strand); deleting any 2 consecutive bases within chr11:17,461,652-17,461,654 gives the same sequence; the c. name uses the placement nearest the transcript's 3' end. VCF-style (leftmost placement, unchanged base first): chr11-17461651-TCC-T. GRCh37 (hg19) VCF-style: chr11-17483198-TCC-T.
Other names: c.752_753del, p.Gly251fs (NM_001287174.3, NM_001351295.2, NM_001351296.2 and 1 more transcripts); short protein forms G251fs.
Identifiers: ClinVar variation 1726893 (VCV001726893.2), dbSNP rs2496852810, ClinGen allele CA2580082789.
Genomic context (GRCh38, chr11:17,461,651, plus strand): 5'-CGTCAAAGGCCTCGCAGAGCCGTTGGTAGTTGGTGAGGGCCCTCATGGCGATGGGCAGCT[TCC>T]CGATGGCTCGCAAGTCGATGGGCTTCTTGTGGGCAGTCTTGATGAAGGCGTTCATCCACC-3'

ClinVar aggregate classification (germline): Likely pathogenic (1 of 4 stars; one submission).

Conditions:
Hyperinsulinemic hypoglycemia, familial, 1 (HHF1). Also called: Persistent hyperinsulinemic hypoglycemia of infancy; HYPERINSULINISM, FAMILIAL, WITH PANCREATIC NESIDIOBLASTOSIS; HYPOGLYCEMIA, HYPERINSULINEMIC, OF INFANCY; NESIDIOBLASTOSIS OF PANCREAS; Persistent Hyperinsulinemia Hypoglycemia of Infancy. Identifiers: Orphanet 276575, Orphanet 276598, MedGen C2931832, MONDO:0009734, OMIM 256450.

Submission:

Myriad Genetics, Inc.
Classification: Likely pathogenic for Hyperinsulinemic hypoglycemia, familial, 1. Last evaluated: 2022-01-02. Review status: criteria provided, single submitter. Criteria: Myriad Women's Health Autosomal Recessive and X-Linked Classification Criteria (2021). Collection method: clinical testing. Allele origin: unknown.
Comment: NM_000352.3(ABCC8):c.752_753delGG(G251Efs*20) is expected to be pathogenic in the context of familial hyperinsulinism, ABCC8-related. This variant is predicted to lead to an abnormal or absent protein product due to the creation of a premature termination codon in ABCC8, a gene where loss-of-function variants are known to be pathogenic. Please note: this variant was assessed in the context of healthy population screening.